The following is an entry in ClinVar:

ClinVar aggregate classification (germline): Uncertain significance. Review status: criteria provided, multiple submitters, no conflicts (2 of 4 stars). 2 submissions from 2 submitters: Uncertain significance (2). Last evaluated 2025-10-01.

Conditions:
Inborn genetic diseases. Identifiers: MedGen C0950123, MeSH D030342.

gnomAD v4.1: 42 of 1,614,102 alleles (0.0026%); highest among the groups gnomAD compares: African/African-American, 0.004%; no homozygotes.

Submissions (2):

Labcorp Genetics (formerly Invitae), Labcorp
Classification: Uncertain significance. Last evaluated: 2025-10-01. Review status: criteria provided, single submitter. Criteria: Invitae Variant Classification Sherloc (09022015). Collection method: clinical testing. Allele origin: germline.
Comment: This sequence change replaces valine, which is neutral and non-polar, with methionine, which is neutral and non-polar, at codon 798 of the LAMB1 protein (p.Val798Met). This variant is present in population databases (rs376461562, gnomAD 0.0009%). This variant has not been reported in the literature in individuals affected with LAMB1-related conditions. An algorithm developed to predict the effect of missense changes on protein structure and function (PolyPhen-2) suggests that this variant is likely to be disruptive. In summary, the available evidence is currently insufficient to determine the role of this variant in disease. Therefore, it has been classified as a Variant of Uncertain Significance.

Ambry Genetics
Classification: Uncertain significance for Inborn genetic diseases. Last evaluated: 2025-08-19. Review status: criteria provided, single submitter. Criteria: Ambry Variant Classification Scheme 2023. Collection method: clinical testing. Allele origin: germline.

NM_002291.3(LAMB1):c.2392G>A (p.Val798Met)

Gene: LAMB1 (laminin subunit beta 1; minus strand). Cytogenetic location: 7q31.1.
Variant type: single nucleotide variant.
Coding change: c.2392G>A on transcript NM_002291.3 (MANE Select); coding-DNA position 2392, G replaced by A.
Protein change: p.Val798Met; replaces valine 798 with methionine.
Molecular consequence: missense variant.
Genome position (GRCh38, 1-based): chr7:107,959,757, C>T on the plus strand (G>A on the coding strand, the complement: LAMB1 is on the minus strand). VCF-style: chr7-107959757-C-T. GRCh37 (hg19) VCF-style: chr7-107600202-C-T.
Other names: short protein forms V798M.
Identifiers: ClinVar variation 4096318 (VCV004096318.2).
Genomic context (GRCh38, chr7:107,959,757, plus strand): 5'-ATCCACTGGGGCCAAAGCCAAAAGTTCCAGGTGCACATCTGTTGCAGGTTCTTCCAACCA[C>T]GTTGGGCCGGCACTGGCACTGGCCTCCGTTGGGATCACACACGGAACTTAACGAACCCTG-3'
Protein context (NP_002282.2, residues 788-808): NGGQCQCRPN[Val798Met]VGRTCNRCAP